The following is an entry in ClinVar:

ClinVar aggregate classification (germline): Uncertain significance (1 of 4 stars; one submission).

Conditions:
Hereditary cancer-predisposing syndrome. Also called: Hereditary neoplastic syndrome; Neoplastic Syndromes, Hereditary; Tumor predisposition; Hereditary Cancer Syndrome. Identifiers: Orphanet 140162, MedGen C0027672, MeSH D009386, MONDO:0015356.

Submission:

Ambry Genetics
Classification: Uncertain significance for Hereditary cancer-predisposing syndrome. Last evaluated: 2025-08-27. Review status: criteria provided, single submitter. Criteria: Ambry Variant Classification Scheme 2023. Collection method: clinical testing. Allele origin: germline.
Comment: The p.T207S variant (also known as c.619A>T), located in coding exon 8 of the MUTYH gene, results from an A to T substitution at nucleotide position 619. The threonine at codon 207 is replaced by serine, an amino acid with similar properties. This amino acid position is conserved. In addition, this alteration is predicted to be tolerated by in silico analysis. Based on the available evidence, the clinical significance of this variant remains unclear.

NM_001048174.2(MUTYH):c.535A>T (p.Thr179Ser)

Gene: MUTYH (mutY DNA glycosylase; minus strand). Cytogenetic location: 1p34.1.
Variant type: single nucleotide variant.
Coding change: c.535A>T on transcript NM_001048174.2 (MANE Select); coding-DNA position 535, A replaced by T.
Protein change: p.Thr179Ser; replaces threonine 179 with serine.
Molecular consequence: missense variant. On other transcripts: non-coding transcript variant (7).
Genome position (GRCh38, 1-based): chr1:45,332,645, T>A on the plus strand (A>T on the coding strand, the complement: MUTYH is on the minus strand). VCF-style: chr1-45332645-T-A. GRCh37 (hg19) VCF-style: chr1-45798317-T-A.
Other names: c.535A>T, p.Thr179Ser (NM_001048171.2, NM_001048173.2, NM_001407070.1 and 6 more transcripts); c.538A>T, p.Thr180Ser (NM_001048172.2, NM_001407071.1, NM_001407078.1 and 1 more transcripts); c.568A>T, p.Thr190Ser (NM_001407069.1, NM_001407077.1, NM_001293191.2); c.451A>T, p.Thr151Ser (NM_001407075.1); c.496A>T, p.Thr166Ser (NM_001407079.1); c.493A>T, p.Thr165Ser (NM_001407080.1); c.610A>T, p.Thr204Ser (NM_012222.3); c.619A>T, p.Thr207Ser (NM_001128425.2); and 5 more; short protein forms T179S, T193S, T166S, T207S, T64S, T151S, T186S, T190S.
Identifiers: ClinVar variation 4113765 (VCV004113765.1).